The following is an entry in ClinVar:

ClinVar aggregate classification (germline): Likely benign. Review status: criteria provided, multiple submitters, no conflicts (2 of 4 stars). 2 submissions from 2 submitters: Likely benign (2). Last evaluated 2024-03-19.

Allele frequency attached by ClinVar (database versions not stated): gnomAD 0.00066; 1000 Genomes Project 30x 0.00078.
gnomAD v4.1: 101 of 152,172 alleles (0.066%); highest among the groups gnomAD compares: African/African-American, 0.23%; no homozygotes.

Submissions (2):

Blueprint Genetics
Classification: Likely benign. Last evaluated: 2024-03-19. Review status: criteria provided, single submitter. Criteria: ACMG Guidelines, 2015. Collection method: clinical testing. Allele origin: germline.

CeGaT Center for Human Genetics Tuebingen
Classification: Likely benign. Last evaluated: 2023-05-01. Review status: criteria provided, single submitter. Criteria: CeGaT Center For Human Genetics Tuebingen Variant Classification Criteria Version 2. Collection method: clinical testing. Allele origin: germline. Affected: yes. Observed: 1 variant allele.
Comment: PHACTR1: BP4, BP7

NM_030948.6(PHACTR1):c.251-39359G>A

Gene: PHACTR1 (phosphatase and actin regulator 1; plus strand). Cytogenetic location: 6p24.1.
Variant type: single nucleotide variant.
Coding change: c.251-39359G>A on transcript NM_030948.6 (MANE Select); 39359 bases into the intron before coding-DNA position 251, G replaced by A.
Molecular consequence: intron variant. On other transcripts: synonymous variant (1).
Genome position (GRCh38, 1-based): chr6:13,014,006, G>A. VCF-style: chr6-13014006-G-A. GRCh37 (hg19) VCF-style: chr6-13014238-G-A.
Other names: c.120G>A, p.Leu40= (NM_001322314.4); c.251-39359G>A (NM_001242648.4, NM_001374581.2, NM_001322308.3 and 3 more transcripts); c.-26-39359G>A (NM_001322313.2, NM_001322312.3, NM_001322311.2 and 1 more transcripts).
Identifiers: ClinVar variation 2571242 (VCV002571242.28), dbSNP rs962079940, ClinGen allele CA134878137.
Genomic context (GRCh38, chr6:13,014,006, plus strand): 5'-CAGGGAGGGCGCGGTGCCAGGCGCGAGCGCCGAGAAACCCAAAAAGAAAGCTTTTTATTT[G>A]CTGAGGATGAAGCCCCTGAAGGAGCCCGCCCCCAACAACAACAACAACGTGTCCTTTGTG-3'